The following is an entry in ClinVar:

ClinVar aggregate classification (germline): Uncertain significance (1 of 4 stars; one submission).

Conditions:
Congenital myopathy with internal nuclei and atypical cores. Also called: Myopathy, centronuclear, 4. Identifiers: Orphanet 319160, MedGen C4707232, MONDO:0013890, OMIM 614807.

Allele frequency attached by ClinVar (database versions not stated): TOPMed below 0.00001.
gnomAD v4.1: 1 of 1,612,234 alleles (0.000062%); highest among the groups gnomAD compares: Admixed American, 0.0017%; no homozygotes.

Submission:

Labcorp Genetics (formerly Invitae), Labcorp
Classification: Uncertain significance for Congenital myopathy with internal nuclei and atypical cores. Last evaluated: 2021-05-12. Review status: criteria provided, single submitter. Criteria: Invitae Variant Classification Sherloc (09022015). Collection method: clinical testing. Allele origin: germline.
Comment: In summary, the available evidence is currently insufficient to determine the role of this variant in disease. Therefore, it has been classified as a Variant of Uncertain Significance. Algorithms developed to predict the effect of missense changes on protein structure and function output the following: SIFT: "Tolerated"; PolyPhen-2: "Not Available"; Align-GVGD: "Class C0". The isoleucine amino acid residue is found in multiple mammalian species, suggesting that this missense change does not adversely affect protein function. These predictions have not been confirmed by published functional studies and their clinical significance is uncertain. This variant has not been reported in the literature in individuals with CCDC78-related conditions. This sequence change replaces threonine with isoleucine at codon 428 of the CCDC78 protein (p.Thr428Ile). The threonine residue is weakly conserved and there is a moderate physicochemical difference between threonine and isoleucine. This variant is not present in population databases (ExAC no frequency).

NM_001378030.1(CCDC78):c.1287C>T (p.Asp429=)

Gene: CCDC78 (coiled-coil domain containing 78; minus strand). Cytogenetic location: 16p13.3.
Variant type: single nucleotide variant.
Coding change: c.1287C>T on transcript NM_001378030.1 (MANE Select); coding-DNA position 1287, C replaced by T.
Protein change: p.Asp429=; no amino-acid change (aspartic acid 429 retained).
Molecular consequence: synonymous variant. On other transcripts: missense variant (1), non-coding transcript variant (5).
Genome position (GRCh38, 1-based): chr16:722,936, G>A on the plus strand (C>T on the coding strand, the complement: CCDC78 is on the minus strand). VCF-style: chr16-722936-G-A. GRCh37 (hg19) VCF-style: chr16-772936-G-A.
Other names: c.1283C>T, p.Thr428Ile (NM_001031737.3); c.1107C>T, p.Asp369= (NM_001378031.1); c.720C>T, p.Asp240= (NM_001378033.1); short protein forms T428I.
Identifiers: ClinVar variation 1420336 (VCV001420336.8), dbSNP rs1403494570, ClinGen allele CA394097363.
Genomic context (GRCh38, chr16:722,936, plus strand): 5'-CAACCAGACCAGGGCCCTGGGGTCACACCCAGCTCCCTCTGCCCACCTGCCCAGGTGCTG[G>A]TCCACGTACTCCTGTAGCTCAGAAAGTTGCTCTTCAGCCATCGTGGCCCGGACCAGCAGC-3'
Protein context (NP_001364959.1, residues 419-439): EQLSELQEYV[Asp429=]QHLGRYKHEI